The following is an entry in ClinVar:

ClinVar aggregate classification (germline): Uncertain significance (1 of 4 stars; one submission).

Conditions:
Myopathy, centronuclear, 2 (CNM2). Also called: MYOTUBULAR MYOPATHY, AUTOSOMAL RECESSIVE. Identifiers: Orphanet 169186, MedGen CN031787, MONDO:0009709, OMIM 255200.

Submission:

Labcorp Genetics (formerly Invitae), Labcorp
Classification: Uncertain significance for Myopathy, centronuclear, 2. Last evaluated: 2026-01-07. Review status: criteria provided, single submitter. Criteria: Invitae Variant Classification Sherloc (09022015). Collection method: clinical testing. Allele origin: germline.
Comment: This sequence change replaces valine, which is neutral and non-polar, with isoleucine, which is neutral and non-polar, at codon 525 of the BIN1 protein (p.Val525Ile). This variant is not present in population databases (gnomAD no frequency). This variant has not been reported in the literature in individuals affected with BIN1-related conditions. An algorithm developed to predict the effect of missense changes on protein structure and function (PolyPhen-2) suggests that this variant is likely to be disruptive. In summary, the available evidence is currently insufficient to determine the role of this variant in disease. Therefore, it has been classified as a Variant of Uncertain Significance.

NM_139343.3(BIN1):c.1573G>A (p.Val525Ile)

Gene: BIN1 (bridging integrator 1; minus strand). Cytogenetic location: 2q14.3.
Variant type: single nucleotide variant.
Coding change: c.1573G>A on transcript NM_139343.3 (MANE Select); coding-DNA position 1573, G replaced by A.
Protein change: p.Val525Ile; replaces valine 525 with isoleucine.
Molecular consequence: missense variant.
Genome position (GRCh38, 1-based): chr2:127,050,522, C>T on the plus strand (G>A on the coding strand, the complement: BIN1 is on the minus strand). VCF-style: chr2-127050522-C-T. GRCh37 (hg19) VCF-style: chr2-127808098-C-T.
Other names: c.1066G>A, p.Val356Ile (NM_001320632.2); c.1204G>A, p.Val402Ile (NM_001320633.2); c.949G>A, p.Val317Ile (NM_001320634.1); c.1333G>A, p.Val445Ile (NM_001320640.2); c.1480G>A, p.Val494Ile (NM_001320641.2); c.1492G>A, p.Val498Ile (NM_001320642.1); c.1156G>A, p.Val386Ile (NM_004305.4); c.1444G>A, p.Val482Ile (NM_139344.3); and 7 more; short protein forms V317I, V341I, V356I, V371I, V386I, V402I, V407I, V414I.
Identifiers: ClinVar variation 4799443 (VCV004799443.1).